The following is an entry in ClinVar:

NM_001308120.2(TOGARAM1):c.3141A>G (p.Ser1047=)

Gene: TOGARAM1 (TOG array regulator of axonemal microtubules 1; plus strand). Cytogenetic location: 14q21.2.
Variant type: single nucleotide variant.
Coding change: c.3141A>G on transcript NM_001308120.2 (MANE Select); coding-DNA position 3141, A replaced by G.
Protein change: p.Ser1047=; no amino-acid change (serine 1047 retained).
Molecular consequence: synonymous variant. On other transcripts: non-coding transcript variant (1).
Genome position (GRCh38, 1-based): chr14:45,011,978, A>G. VCF-style: chr14-45011978-A-G. GRCh37 (hg19) VCF-style: chr14-45481181-A-G.
Other names: c.3141A>G, p.Ser1047= (NM_015091.4).
Identifiers: ClinVar variation 2644205 (VCV002644205.24), dbSNP rs201895480, ClinGen allele CA7167452.

ClinVar aggregate classification (germline): Likely benign (1 of 4 stars; one submission).

Allele frequency attached by ClinVar (database versions not stated): TOPMed 0.00006; ESP Exome Variant Server 0.00008; gnomAD exomes 0.00027; gnomAD 0.00040; ExAC 0.00051.
gnomAD v4.1: 444 of 1,599,136 alleles (0.028%); highest among the groups gnomAD compares: Non-Finnish European, 0.021%; no homozygotes.

Submission:

CeGaT Center for Human Genetics Tuebingen
Classification: Likely benign. Last evaluated: 2026-01-01. Review status: criteria provided, single submitter. Criteria: CeGaT Center For Human Genetics Tuebingen Variant Classification Criteria Version 2. Collection method: clinical testing. Allele origin: germline. Affected: yes. Observed: 4 variant alleles.
Comment: TOGARAM1: BP4, BP7